The following is an entry in ClinVar:

ClinVar aggregate classification (germline): Uncertain significance. Review status: criteria provided, multiple submitters, no conflicts (2 of 4 stars). 2 submissions from 2 submitters: Uncertain significance (2). Last evaluated 2022-06-13.

Conditions:
Inborn genetic diseases. Identifiers: MedGen C0950123, MeSH D030342.

Allele frequency attached by ClinVar (database versions not stated): gnomAD 0.00001; gnomAD exomes 0.00001 and 0.00002; ExAC 0.00002; TOPMed 0.00004.
gnomAD v4.1: 10 of 1,611,516 alleles (0.00062%); highest among the groups gnomAD compares: Middle Eastern, 0.016%; no homozygotes.

Submissions (2):

Ambry Genetics
Classification: Uncertain significance for Inborn genetic diseases. Last evaluated: 2022-06-13. Review status: criteria provided, single submitter. Criteria: Ambry Variant Classification Scheme 2023. Collection method: clinical testing. Allele origin: germline.

Labcorp Genetics (formerly Invitae), Labcorp
Classification: Uncertain significance. Last evaluated: 2022-03-05. Review status: criteria provided, single submitter. Criteria: Invitae Variant Classification Sherloc (09022015). Collection method: clinical testing. Allele origin: germline.
Comment: In summary, the available evidence is currently insufficient to determine the role of this variant in disease. Therefore, it has been classified as a Variant of Uncertain Significance. Algorithms developed to predict the effect of missense changes on protein structure and function are either unavailable or do not agree on the potential impact of this missense change (SIFT: "Deleterious"; PolyPhen-2: "Benign"; Align-GVGD: "Class C0"). This variant has not been reported in the literature in individuals affected with CENPJ-related conditions. This variant is present in population databases (rs765240422, gnomAD 0.005%). This sequence change replaces glutamic acid, which is acidic and polar, with glycine, which is neutral and non-polar, at codon 544 of the CENPJ protein (p.Glu544Gly).

NM_018451.5(CPAP):c.1631A>G (p.Glu544Gly)

Gene: CPAP (centrosome assembly and centriole elongation protein; minus strand). Cytogenetic location: 13q12.13.
Variant type: single nucleotide variant.
Coding change: c.1631A>G on transcript NM_018451.5 (MANE Select); coding-DNA position 1631, A replaced by G.
Protein change: p.Glu544Gly; replaces glutamic acid 544 with glycine.
Molecular consequence: missense variant. On other transcripts: non-coding transcript variant (2).
Genome position (GRCh38, 1-based): chr13:24,906,407, T>C on the plus strand (A>G on the coding strand, the complement: CPAP is on the minus strand). VCF-style: chr13-24906407-T-C. GRCh37 (hg19) VCF-style: chr13-25480545-T-C.
Other names: c.1631A>G (NM_018451.3); short protein forms E544G.
Identifiers: ClinVar variation 1416126 (VCV001416126.7), dbSNP rs765240422, ClinGen allele CA6919721.